The following is an entry in ClinVar:

NM_007214.5(SEC63):c.1441-5C>T

Gene: SEC63 (SEC63 homolog, protein translocation regulator; minus strand). Cytogenetic location: 6q21.
Variant type: single nucleotide variant.
Coding change: c.1441-5C>T on transcript NM_007214.5 (MANE Select); 5 bases into the intron before coding-DNA position 1441, C replaced by T.
Molecular consequence: intron variant.
Genome position (GRCh38, 1-based): chr6:107,893,902, G>A on the plus strand (C>T on the coding strand, the complement: SEC63 is on the minus strand). VCF-style: chr6-107893902-G-A. GRCh37 (hg19) VCF-style: chr6-108215106-G-A.
Identifiers: ClinVar variation 354904 (VCV000354904.6), dbSNP rs370312823, ClinGen allele CA3947376.

ClinVar aggregate classification (germline): Benign/Likely benign. Review status: criteria provided, multiple submitters, no conflicts (2 of 4 stars). 2 submissions from 2 submitters: Benign (1); Likely benign (1). Last evaluated 2021-07-22.

Conditions:
Polycystic liver disease 2 (PCLD2). Also called: Polycystic liver disease 2 with or without kidney cysts. Identifiers: Orphanet 2924, MedGen C4310769, MONDO:0014860, OMIM 617004.

Allele frequency attached by ClinVar (database versions not stated): gnomAD 0.00003 and 0.00007; ExAC 0.00004; TOPMed 0.00008; gnomAD exomes 0.00010 and 0.00003; 1000 Genomes Project 0.00040; 1000 Genomes Project 30x 0.00078.
gnomAD v4.1: 70 of 1,613,830 alleles (0.0043%); highest among the groups gnomAD compares: East Asian, 0.038%; 1 homozygote.

Submissions (2):

Fulgent Genetics
Classification: Likely benign for Polycystic liver disease 2. Last evaluated: 2021-07-22. Review status: criteria provided, single submitter. Criteria: ACMG Guidelines, 2015. Collection method: clinical testing. Allele origin: unknown.

Illumina Laboratory Services, Illumina
Classification: Benign for Polycystic liver disease 2. Last evaluated: 2018-01-13. Review status: criteria provided, single submitter. Criteria: ICSL Variant Classification Criteria 13 December 2019. Collection method: clinical testing. Allele origin: germline.
Comment: This variant was observed in the ICSL laboratory as part of a predisposition screen in an ostensibly healthy population. It had not been previously curated by ICSL or reported in the Human Gene Mutation Database (HGMD: prior to June 1st, 2018), and was therefore a candidate for classification through an automated scoring system. Utilizing variant allele frequency, disease prevalence and penetrance estimates, and inheritance mode, an automated score was calculated to assess if this variant is too frequent to cause the disease. Based on the score and internal cut-off values, a variant classified as benign is not then subjected to further curation. The score for this variant resulted in a classification of benign for this disease.